The following is an entry in ClinVar:

NM_000642.3(AGL):c.3756dup (p.Arg1253fs)

Gene: AGL (amylo-alpha-1,6-glucosidase and 4-alpha-glucanotransferase; plus strand). Cytogenetic location: 1p21.2.
Variant type: Duplication.
Coding change: c.3756dup on transcript NM_000642.3 (MANE Select); coding-DNA position 3756, one base duplicated (T; older notation c.3756dupT).
Protein change: p.Arg1253fs; shifts the reading frame from arginine 1253.
Molecular consequence: frameshift variant.
Genome position (GRCh38, 1-based): chr1:99,910,767, T duplicated. VCF-style (leftmost placement, unchanged base first): chr1-99910766-A-AT. GRCh37 (hg19) VCF-style: chr1-100376322-A-AT.
Other names: c.3756dup, p.Arg1253Serfs (NM_000028.3, NM_000643.3, NM_000644.3 and 1 more transcripts); c.3708dup, p.Arg1237Serfs (NM_000646.3); c.3735dup, p.Arg1246Serfs (NM_001425326.1); c.3555dup, p.Arg1186Serfs (NM_001425327.1); c.3552dup, p.Arg1185Serfs (NM_001425328.1); c.3417dup, p.Arg1140Serfs (NM_001425329.1); c.3378dup, p.Arg1127Serfs (NM_001425332.1); short protein forms R1237fs, R1253fs.
Identifiers: ClinVar variation 1075182 (VCV001075182.7), dbSNP rs2100849117, ClinGen allele CA2499214926.

ClinVar aggregate classification (germline): Pathogenic (1 of 4 stars; one submission).

Conditions:
Glycogen storage disease type III (GSD3). Also called: Cori disease; FORBES DISEASE. Identifiers: Orphanet 366, MedGen C0017922, MONDO:0009291, OMIM 232400.

Submission:

Labcorp Genetics (formerly Invitae), Labcorp
Classification: Pathogenic for Glycogen storage disease type III. Last evaluated: 2021-04-05. Review status: criteria provided, single submitter. Criteria: Invitae Variant Classification Sherloc (09022015). Collection method: clinical testing. Allele origin: germline.
Comment: For these reasons, this variant has been classified as Pathogenic. This variant has not been reported in the literature in individuals with AGL-related conditions. This variant is not present in population databases (ExAC no frequency). This sequence change creates a premature translational stop signal (p.Arg1253Serfs*10) in the AGL gene. It is expected to result in an absent or disrupted protein product. Loss-of-function variants in AGL are known to be pathogenic (PMID: 19299494).

Literature cited by the submitters: PubMed 19299494.